The following is an entry in ClinVar:

NM_000548.5(TSC2):c.5035_5043del (p.Glu1679_Asn1681del)

Gene: TSC2 (TSC complex subunit 2; plus strand). Cytogenetic location: 16p13.3.
Variant type: Deletion.
Coding change: c.5035_5043del on transcript NM_000548.5 (MANE Select); coding-DNA positions 5035 to 5043, 9 bases deleted (GAGTGCAAC; older notation c.5035_5043delGAGTGCAAC).
Protein change: p.Glu1679_Asn1681del.
Molecular consequence: non-coding transcript variant (on NR_176227.1). On other transcripts: inframe indel (1).
Genome position (GRCh38, 1-based): chr16:2,087,908-2,087,916, GAGTGCAAC deleted; deleting any 9 consecutive bases within chr16:2,087,906-2,087,916 gives the same sequence; the c. name uses the placement nearest the transcript's 3' end. VCF-style (leftmost placement, unchanged base first): chr16-2087905-TACGAGTGCA-T. GRCh37 (hg19) VCF-style: chr16-2137906-TACGAGTGCA-T.
Other names: c.5035_5043delGAGTGCAAC, p.Glu1679_Asn1681del (NM_000548.3); c.4834_4842del, p.Glu1612_Asn1614del (NM_001077183.3); c.4966_4974del, p.Glu1656_Asn1658del (NM_001114382.3); c.4726_4734del, p.Glu1576_Asn1578del (NM_001318827.2); c.4690_4698del, p.Glu1564_Asn1566del (NM_001318829.2); c.4303_4311del, p.Glu1435_Asn1437del (NM_001318831.2); c.4867_4875del, p.Glu1623_Asn1625del (NM_001318832.2); c.4837_4845del, p.Glu1613_Asn1615del (NM_001363528.2); and 27 more.
Identifiers: ClinVar variation 4686795 (VCV004686795.1).

ClinVar aggregate classification (germline): Uncertain significance (1 of 4 stars; one submission).

Submission:

GeneDx
Classification: Uncertain significance. Last evaluated: 2025-07-22. Review status: criteria provided, single submitter. Criteria: GeneDx Variant Classification Process June 2021. Collection method: clinical testing. Allele origin: germline. Affected: yes.
Comment: Not observed at significant frequency in large population cohorts (gnomAD); In-frame deletion of 3 amino acid(s) in a non-repeat region; In silico analysis supports a deleterious effect on protein structure/function; Has not been previously published as pathogenic or benign to our knowledge; This variant is associated with the following publications: (PMID: 18466115)